The following is an entry in ClinVar:

NM_015030.2(FRYL):c.2258A>G (p.Gln753Arg)

Gene: FRYL (FRY like transcription coactivator; minus strand). Cytogenetic location: 4p11.
Variant type: single nucleotide variant.
Coding change: c.2258A>G on transcript NM_015030.2 (MANE Select); coding-DNA position 2258, A replaced by G.
Protein change: p.Gln753Arg; replaces glutamine 753 with arginine.
Molecular consequence: missense variant.
Genome position (GRCh38, 1-based): chr4:48,580,866, T>C on the plus strand (A>G on the coding strand, the complement: FRYL is on the minus strand). VCF-style: chr4-48580866-T-C. GRCh37 (hg19) VCF-style: chr4-48582883-T-C.
Other names: NC_000004.11:g.48582883T>C; short protein forms Q753R.
Identifiers: ClinVar variation 4306296 (VCV004306296.5).

ClinVar aggregate classification (germline): Likely benign (1 of 4 stars; one submission).

Submissions (4):

CeGaT Center for Human Genetics Tuebingen
Classification: Likely benign. Last evaluated: 2026-03-01. Review status: criteria provided, single submitter. Criteria: CeGaT Center For Human Genetics Tuebingen Variant Classification Criteria Version 2. Collection method: clinical testing. Allele origin: germline. Affected: yes. Observed: 1 variant allele.
Comment: FRYL: BS1

Dr. Peter K. Rogan Lab, Western University
No classification provided (evidence only). Condition: Clear cell carcinoma of kidney. Review status: no classification provided. Collection method: in vitro. Allele origin: not applicable. Functional consequence: retained intron. Not counted in ClinVar's aggregate classification.

Dr. Peter K. Rogan Lab, Western University
No classification provided (evidence only). Condition: Lung cancer. Review status: no classification provided. Collection method: in vitro. Allele origin: not applicable. Functional consequence: retained intron. Not counted in ClinVar's aggregate classification.

Dr. Peter K. Rogan Lab, Western University
No classification provided (evidence only). Condition: Lymphoma. Review status: no classification provided. Collection method: in vitro. Allele origin: not applicable. Functional consequence: skipped exon, retained intron. Not counted in ClinVar's aggregate classification.